The following is an entry in ClinVar:

NM_018341.3(ERMARD):c.539C>T (p.Pro180Leu)

Gene: ERMARD (ER membrane associated RNA degradation; plus strand). Cytogenetic location: 6q27.
Variant type: single nucleotide variant.
Coding change: c.539C>T on transcript NM_018341.3 (MANE Select); coding-DNA position 539, C replaced by T.
Protein change: p.Pro180Leu; replaces proline 180 with leucine.
Molecular consequence: missense variant.
Genome position (GRCh38, 1-based): chr6:169,758,999, C>T. VCF-style: chr6-169758999-C-T. GRCh37 (hg19) VCF-style: chr6-170159095-C-T.
Other names: c.539C>T, p.Pro180Leu (NM_001278531.2, NM_001278533.2); c.161C>T, p.Pro54Leu (NM_001278532.2, NM_001410957.1); c.539C>T (NM_018341.1); short protein forms P180L, P54L.
Identifiers: ClinVar variation 2058500 (VCV002058500.5), dbSNP rs146333454, ClinGen allele CA4105889.

ClinVar aggregate classification (germline): Uncertain significance. Review status: criteria provided, multiple submitters, no conflicts (2 of 4 stars). 2 submissions from 2 submitters: Uncertain significance (2). Last evaluated 2025-05-01.

Allele frequency attached by ClinVar (database versions not stated): gnomAD 0.00001; gnomAD exomes 0.00002; TOPMed 0.00003; ESP Exome Variant Server 0.00008; ExAC 0.00002.
gnomAD v4.1: 35 of 1,613,760 alleles (0.0022%); highest among the groups gnomAD compares: Non-Finnish European, 0.0025%; no homozygotes.

Submissions (2):

Ambry Genetics
Classification: Uncertain significance. Last evaluated: 2025-05-01. Review status: criteria provided, single submitter. Criteria: Ambry Variant Classification Scheme 2023. Collection method: clinical testing. Allele origin: germline.

Labcorp Genetics (formerly Invitae), Labcorp
Classification: Uncertain significance. Last evaluated: 2023-08-04. Review status: criteria provided, single submitter. Criteria: Invitae Variant Classification Sherloc (09022015). Collection method: clinical testing. Allele origin: germline.
Comment: In summary, the available evidence is currently insufficient to determine the role of this variant in disease. Therefore, it has been classified as a Variant of Uncertain Significance. This sequence change replaces proline, which is neutral and non-polar, with leucine, which is neutral and non-polar, at codon 180 of the ERMARD protein (p.Pro180Leu). This variant is present in population databases (rs146333454, gnomAD 0.003%). This variant has not been reported in the literature in individuals affected with ERMARD-related conditions. ClinVar contains an entry for this variant (Variation ID: 2058500). Advanced modeling of protein sequence and biophysical properties (such as structural, functional, and spatial information, amino acid conservation, physicochemical variation, residue mobility, and thermodynamic stability) performed at Invitae indicates that this missense variant is expected to disrupt ERMARD protein function. Algorithms developed to predict the effect of sequence changes on RNA splicing suggest that this variant may disrupt the consensus splice site.